The following is an entry in ClinVar:

NM_014141.6(CNTNAP2):c.1882T>C (p.Tyr628His)

Gene: CNTNAP2 (contactin associated protein 2; plus strand). Cytogenetic location: 7q35.
Variant type: single nucleotide variant.
Coding change: c.1882T>C on transcript NM_014141.6 (MANE Select); coding-DNA position 1882, T replaced by C.
Protein change: p.Tyr628His; replaces tyrosine 628 with histidine.
Molecular consequence: missense variant.
Genome position (GRCh38, 1-based): chr7:147,562,242, T>C. VCF-style: chr7-147562242-T-C. GRCh37 (hg19) VCF-style: chr7-147259334-T-C.
Other names: short protein forms Y628H.
Identifiers: ClinVar variation 536323 (VCV000536323.7), dbSNP rs770030792, ClinGen allele CA4546225.

ClinVar aggregate classification (germline): Uncertain significance. Review status: criteria provided, multiple submitters, no conflicts (2 of 4 stars). 2 submissions from 2 submitters: Uncertain significance (2). Last evaluated 2022-06-15.

Conditions:
Cortical dysplasia-focal epilepsy syndrome (PTHSL1). Also called: Pitt-Hopkins-like syndrome 1. Identifiers: Orphanet 163681, Orphanet 221150, MedGen C2750246, MONDO:0012400, OMIM 610042.

Allele frequency attached by ClinVar (database versions not stated): gnomAD 0.00001; gnomAD exomes 0.00002 and 0.00008; TOPMed 0.00002; ExAC 0.00003.
gnomAD v4.1: 41 of 1,613,896 alleles (0.0025%); highest among the groups gnomAD compares: Non-Finnish European, 0.00051%; no homozygotes.

Submissions (2):

Labcorp Genetics (formerly Invitae), Labcorp
Classification: Uncertain significance for Cortical dysplasia-focal epilepsy syndrome. Last evaluated: 2022-06-15. Review status: criteria provided, single submitter. Criteria: Invitae Variant Classification Sherloc (09022015). Collection method: clinical testing. Allele origin: germline.
Comment: This sequence change replaces tyrosine, which is neutral and polar, with histidine, which is basic and polar, at codon 628 of the CNTNAP2 protein (p.Tyr628His). This variant is present in population databases (rs770030792, gnomAD 0.2%). This variant has not been reported in the literature in individuals affected with CNTNAP2-related conditions. ClinVar contains an entry for this variant (Variation ID: 536323). Algorithms developed to predict the effect of missense changes on protein structure and function (SIFT, PolyPhen-2, Align-GVGD) all suggest that this variant is likely to be tolerated. In summary, the available evidence is currently insufficient to determine the role of this variant in disease. Therefore, it has been classified as a Variant of Uncertain Significance.

Illumina Laboratory Services, Illumina
Classification: Uncertain significance for Cortical dysplasia-focal epilepsy syndrome. Last evaluated: 2018-01-12. Review status: criteria provided, single submitter. Criteria: ICSL Variant Classification Criteria 13 December 2019. Collection method: clinical testing. Allele origin: germline.